The following is an entry in ClinVar:

NM_003114.5(SPAG1):c.1988+170C>T

Gene: SPAG1 (sperm associated antigen 1; plus strand). Cytogenetic location: 8q22.2.
Variant type: single nucleotide variant.
Coding change: c.1988+170C>T on transcript NM_003114.5 (MANE Select); 170 bases into the intron after coding-DNA position 1988, C replaced by T.
Molecular consequence: intron variant.
Genome position (GRCh38, 1-based): chr8:100,231,458, C>T. VCF-style: chr8-100231458-C-T. GRCh37 (hg19) VCF-style: chr8-101243686-C-T.
Other names: c.1988+170C>T (NM_001374321.1, NM_172218.3).
Identifiers: ClinVar variation 1707297 (VCV001707297.2), dbSNP rs191609530, ClinGen allele CA182390780.

ClinVar aggregate classification (germline): Likely benign (1 of 4 stars; one submission).

Allele frequency attached by ClinVar (database versions not stated): 1000 Genomes Project 30x 0.00062; 1000 Genomes Project 0.00080; TOPMed 0.00149; gnomAD 0.00227.

Submission:

GeneDx
Classification: Likely benign. Last evaluated: 2021-05-26. Review status: criteria provided, single submitter. Criteria: GeneDx Variant Classification Process June 2021. Collection method: clinical testing. Allele origin: germline. Affected: yes.
Comment: See Variant Classification Assertion Criteria.